The following is an entry in ClinVar:

NM_213569.2(NEBL):c.357+73457del

Gene: NEBL (nebulette; minus strand). Cytogenetic location: 10p12.31.
Variant type: Deletion.
Coding change: c.357+73457del on transcript NM_213569.2; 73457 bases into the intron after coding-DNA position 357, one base deleted (T; older notation c.357+73457delT).
Genome position (GRCh38, 1-based): chr10:20,888,215, A deleted on the plus strand (T on the coding strand, the reverse complement: NEBL is on the minus strand); the first of 9 consecutive A bases (chr10:20,888,215-20,888,223); deleting any one gives the same sequence. VCF-style (leftmost placement, unchanged base first): chr10-20888214-GA-G. GRCh37 (hg19) VCF-style: chr10-21177143-GA-G.
Other names: c.249+73457del (NM_001377326.1, NM_001377327.1, NM_001377328.1); c.357+73457del (NM_001173484.2, NM_001377322.1); c.300+73457del (NM_001377324.1); c.291+73457del (NM_001377325.1); c.309+73457del (NM_001377323.1); c.259-8del (NM_006393.3); c.259-8delT (NM_006393.2).
Identifiers: ClinVar variation 179196 (VCV000179196.17), dbSNP rs57918610, ClinGen allele CA183934.
Genomic context (GRCh38, chr10:20,888,214, plus strand): 5'-CCGCTTATAAAGAGAATTAGAAAGGTCAGCTTTAATGGTGCCTTTGTATTTTGCCTGGGG[GA>G]AAAAAAAACAGGAAAAAAATAAATAAATAAACTTCCATTTTTTTAAACTGTGATTATAAG-3'

ClinVar aggregate classification (germline): Benign. Review status: criteria provided, multiple submitters, no conflicts (2 of 4 stars). 4 submissions from 4 submitters: Benign (4). Last evaluated 2026-02-01.

Conditions:
Primary dilated cardiomyopathy (DCM). Also called: Dilated Cardiomyopathy. Identifiers: Orphanet 217604, MedGen C0007193, MeSH D002311, MONDO:0005021, HP:0001644. Inheritance: Various modes of inheritance.

Submissions (4):

Labcorp Genetics (formerly Invitae), Labcorp
Classification: Benign for Primary dilated cardiomyopathy. Last evaluated: 2026-02-01. Review status: criteria provided, single submitter. Criteria: Invitae Variant Classification Sherloc (09022015). Collection method: clinical testing. Allele origin: germline.

Women's Health and Genetics/Laboratory Corporation of America, LabCorp
Classification: Benign. Last evaluated: 2023-08-19. Review status: criteria provided, single submitter. Criteria: LabCorp Variant Classification Summary - May 2015. Collection method: clinical testing. Allele origin: germline.

Laboratory for Molecular Medicine, Mass General Brigham Personalized Medicine
Classification: Benign. Last evaluated: 2015-07-02. Review status: criteria provided, single submitter. Criteria: LMM Criteria. Collection method: clinical testing. Allele origin: germline. Observed: 7 variant alleles.
Comment: 259-8delT in intron 3 of NEBL: This variant is located outside the conserved +/- 1, 2 region of the splicing consensus sequence, is part of a polyT stretch, and does not alter the sequence of the ROI. It has been identified in 3% (309/9414) of African Chromosomes by the Exome Aggregation Consortium (ExAC; dbSNP rs71578979).

GeneDx
Classification: Benign. Last evaluated: 2014-09-26. Review status: criteria provided, single submitter. Criteria: GeneDx Variant Classification (06012015). Collection method: clinical testing. Allele origin: germline. Affected: yes.
Comment: This variant is considered likely benign or benign based on one or more of the following criteria: it is a conservative change, it occurs at a poorly conserved position in the protein, it is predicted to be benign by multiple in silico algorithms, and/or has population frequency not consistent with disease.